The following is an entry in ClinVar:

ClinVar aggregate classification (germline): Pathogenic (1 of 4 stars; one submission).

Conditions:
Familial X-linked hypophosphatemic vitamin D refractory rickets (XLHRD). Also called: Hypophosphatemic Rickets, X-Linked Dominant; Hypophosphatemia, vitamin D-resistant rickets; Vitamin D-resistant rickets, X-linked; X-Linked Hypophosphatemia; HYPOPHOSPHATEMIC VITAMIN D-RESISTANT RICKETS. Identifiers: Orphanet 89936, MedGen C0733682, MONDO:0010619, OMIM 307800.

Submission:

3billion
Classification: Pathogenic for Familial X-linked hypophosphatemic vitamin D refractory rickets. Last evaluated: 2024-01-18. Review status: criteria provided, single submitter. Criteria: ACMG Guidelines, 2015. Collection method: clinical testing. Allele origin: germline. Affected: yes.
Comment: The variant is not observed in the gnomAD v2.1.1 dataset. Predicted Consequence/Location: Stop-gained (nonsense): predicted to result in a loss or disruption of normal protein function through nonsense-mediated decay (NMD) or protein truncation. Multiple pathogenic variants are reported downstream of the variant. The variant has been reported to be associated with PHEX-related disorder (PMID: 33852231). Therefore, this variant is classified as Pathogenic according to the recommendation of ACMG/AMP guideline.

Literature cited by the submitters: PubMed 33852231.

NM_000444.6(PHEX):c.1313T>A (p.Leu438Ter)

Gene: PHEX (phosphate regulating endopeptidase X-linked; plus strand). Cytogenetic location: Xp22.11.
Variant type: single nucleotide variant.
Coding change: c.1313T>A on transcript NM_000444.6 (MANE Select); coding-DNA position 1313, T replaced by A.
Protein change: p.Leu438Ter; replaces leucine 438 with a stop codon.
Molecular consequence: nonsense.
Genome position (GRCh38, 1-based): chrX:22,133,533, T>A. VCF-style: chrX-22133533-T-A. GRCh37 (hg19) VCF-style: chrX-22151650-T-A.
Other names: c.1313T>A, p.Leu438Ter (NM_001282754.2); short protein forms L438*.
Identifiers: ClinVar variation 3776216 (VCV003776216.1).